The following is an entry in ClinVar:

NM_001008216.2(GALE):c.709+2_709+17del

Gene: GALE (UDP-galactose-4-epimerase; minus strand). Cytogenetic location: 1p36.11.
Variant type: Deletion.
Coding change: c.709+2_709+17del on transcript NM_001008216.2 (MANE Select); the canonical splice donor site of the intron after coding-DNA position 709 through 17 bases into the intron after coding-DNA position 709, 16 bases deleted (TGAGCCTAGGACCAGG).
Molecular consequence: splice donor variant.
Genome position (GRCh38, 1-based): chr1:23,796,859-23,796,874, CCTGGTCCTAGGCTCA deleted on the plus strand (TGAGCCTAGGACCAGG on the coding strand, the reverse complement: GALE is on the minus strand); deleting any 16 consecutive bases within chr1:23,796,859-23,796,878 gives the same sequence; the c. name uses the placement nearest the transcript's 3' end. VCF-style (leftmost placement, unchanged base first): chr1-23796858-CCCTGGTCCTAGGCTCA-C. GRCh37 (hg19) VCF-style: chr1-24123348-CCCTGGTCCTAGGCTCA-C.
Other names: c.709+2_709+17del (NM_000403.4, NM_001127621.2).
Identifiers: ClinVar variation 2126386 (VCV002126386.4), dbSNP rs2521288079, ClinGen allele CA2580061515.

ClinVar aggregate classification (germline): Likely pathogenic (1 of 4 stars; one submission).

Conditions:
UDPglucose-4-epimerase deficiency. Also called: UDPglucose 4-Epimerase Deficiency Disease; Epimerase Deficiency Galactosemia; GALACTOSEMIA III; GALE DEFICIENCY; UDP-GALACTOSE-4-EPIMERASE DEFICIENCY; Galactose epimerase deficiency. Identifiers: Orphanet 352, Orphanet 79238, MedGen C0751161, MONDO:0009257, OMIM 230350.

Submission:

Labcorp Genetics (formerly Invitae), Labcorp
Classification: Likely pathogenic for UDPglucose-4-epimerase deficiency. Last evaluated: 2022-04-15. Review status: criteria provided, single submitter. Criteria: Invitae Variant Classification Sherloc (09022015). Collection method: clinical testing. Allele origin: germline.
Comment: In summary, the currently available evidence indicates that the variant is pathogenic, but additional data are needed to prove that conclusively. Therefore, this variant has been classified as Likely Pathogenic. This sequence change affects a splice site in intron 8 of the GALE gene. It is expected to disrupt RNA splicing. Variants that disrupt the donor or acceptor splice site typically lead to a loss of protein function (PMID: 16199547), and loss-of-function variants in GALE are known to be pathogenic (PMID: 16301867). This variant is not present in population databases (gnomAD no frequency). This variant has not been reported in the literature in individuals affected with GALE-related conditions. Algorithms developed to predict the effect of sequence changes on RNA splicing suggest that this variant may disrupt the consensus splice site.

Literature cited by the submitters: PubMed 16199547; PubMed 16301867.